The following is an entry in ClinVar:

ClinVar aggregate classification (germline): Uncertain significance (1 of 4 stars; one submission).

gnomAD v4.1: 1 of 1,614,064 alleles (0.000062%); highest among the groups gnomAD compares: Non-Finnish European, 0.000085%; no homozygotes.

Submission:

Labcorp Genetics (formerly Invitae), Labcorp
Classification: Uncertain significance. Last evaluated: 2024-08-21. Review status: criteria provided, single submitter. Criteria: Invitae Variant Classification Sherloc (09022015). Collection method: clinical testing. Allele origin: germline.
Comment: This sequence change replaces glycine, which is neutral and non-polar, with serine, which is neutral and polar, at codon 1032 of the TUBGCP6 protein (p.Gly1032Ser). This variant is present in population databases (no rsID available, gnomAD 0.0009%). This variant has not been reported in the literature in individuals affected with TUBGCP6-related conditions. An algorithm developed to predict the effect of missense changes on protein structure and function outputs the following: PolyPhen-2: "Benign". The serine amino acid residue is found in multiple mammalian species, which suggests that this missense change does not adversely affect protein function. In summary, the available evidence is currently insufficient to determine the role of this variant in disease. Therefore, it has been classified as a Variant of Uncertain Significance.

NM_020461.4(TUBGCP6):c.3094G>A (p.Gly1032Ser)

Gene: TUBGCP6 (tubulin gamma complex component 6; minus strand). Cytogenetic location: 22q13.33.
Variant type: single nucleotide variant.
Coding change: c.3094G>A on transcript NM_020461.4 (MANE Select); coding-DNA position 3094, G replaced by A.
Protein change: p.Gly1032Ser; replaces glycine 1032 with serine.
Molecular consequence: missense variant.
Genome position (GRCh38, 1-based): chr22:50,221,265, C>T on the plus strand (G>A on the coding strand, the complement: TUBGCP6 is on the minus strand). VCF-style: chr22-50221265-C-T. GRCh37 (hg19) VCF-style: chr22-50659694-C-T.
Other names: short protein forms G1032S.
Identifiers: ClinVar variation 3663205 (VCV003663205.2).